The following is an entry in ClinVar:

ClinVar aggregate classification (germline): Likely benign (1 of 4 stars; one submission).

Submission:

CeGaT Center for Human Genetics Tuebingen
Classification: Likely benign. Last evaluated: 2022-11-01. Review status: criteria provided, single submitter. Criteria: CeGaT Center For Human Genetics Tuebingen Variant Classification Criteria Version 2. Collection method: clinical testing. Allele origin: germline. Affected: yes. Observed: 1 variant allele.
Comment: FAT4: PM2:Supporting, BP4, BP7

NM_001291303.3(FAT4):c.1479T>C (p.Tyr493=)

Gene: FAT4 (FAT atypical cadherin 4; plus strand). Cytogenetic location: 4q28.1.
Variant type: single nucleotide variant.
Coding change: c.1479T>C on transcript NM_001291303.3 (MANE Select); coding-DNA position 1479, T replaced by C.
Protein change: p.Tyr493=; no amino-acid change (tyrosine 493 retained).
Molecular consequence: synonymous variant.
Genome position (GRCh38, 1-based): chr4:125,317,890, T>C. VCF-style: chr4-125317890-T-C. GRCh37 (hg19) VCF-style: chr4-126239045-T-C.
Other names: c.1479T>C, p.Tyr493= (NM_001291285.3, NM_024582.6).
Identifiers: ClinVar variation 1879616 (VCV001879616.29), dbSNP rs2530428255, ClinGen allele CA441366793.